The following is an entry in ClinVar:

NM_001134363.3(RBM20):c.3137T>G (p.Met1046Arg)

Gene: RBM20 (RNA binding motif protein 20; plus strand). Cytogenetic location: 10q25.2.
Variant type: single nucleotide variant.
Coding change: c.3137T>G on transcript NM_001134363.3 (MANE Select); coding-DNA position 3137, T replaced by G.
Protein change: p.Met1046Arg; replaces methionine 1046 with arginine.
Molecular consequence: missense variant.
Genome position (GRCh38, 1-based): chr10:110,821,756, T>G. VCF-style: chr10-110821756-T-G. GRCh37 (hg19) VCF-style: chr10-112581514-T-G.
Other names: short protein forms M1046R.
Identifiers: ClinVar variation 2102836 (VCV002102836.4), dbSNP rs1844914725, ClinGen allele CA378381269.

ClinVar aggregate classification (germline): Uncertain significance (1 of 4 stars; one submission).

Conditions:
Dilated cardiomyopathy 1DD (CMD1DD). Identifiers: Orphanet 154, MedGen C2750995, MONDO:0013168, OMIM 613172.

Submission:

Labcorp Genetics (formerly Invitae), Labcorp
Classification: Uncertain significance for Dilated cardiomyopathy 1DD. Last evaluated: 2022-02-24. Review status: criteria provided, single submitter. Criteria: Invitae Variant Classification Sherloc (09022015). Collection method: clinical testing. Allele origin: germline.
Comment: This sequence change replaces methionine, which is neutral and non-polar, with arginine, which is basic and polar, at codon 1046 of the RBM20 protein (p.Met1046Arg). This variant is not present in population databases (gnomAD no frequency). In summary, the available evidence is currently insufficient to determine the role of this variant in disease. Therefore, it has been classified as a Variant of Uncertain Significance. Advanced modeling of protein sequence and biophysical properties (such as structural, functional, and spatial information, amino acid conservation, physicochemical variation, residue mobility, and thermodynamic stability) performed at Invitae indicates that this missense variant is not expected to disrupt RBM20 protein function. This variant has not been reported in the literature in individuals affected with RBM20-related conditions.